The following is an entry in ClinVar:

ClinVar aggregate classification (germline): Benign/Likely benign. Review status: criteria provided, multiple submitters, no conflicts (2 of 4 stars). 3 submissions from 3 submitters: Benign (2); Likely benign (1). Last evaluated 2026-05-11.

Conditions:
3M syndrome 1. Also called: 3-M Syndrome, CUL7-Related. Identifiers: Orphanet 2616, MedGen C2678312, MONDO:0010117, OMIM 273750.

Allele frequency attached by ClinVar (database versions not stated): gnomAD exomes 0.00576 and 0.00222; ExAC 0.00717; gnomAD 0.01968 and 0.02119; 1000 Genomes Project 0.02316; ESP Exome Variant Server 0.02245; 1000 Genomes Project 30x 0.02389; TOPMed 0.02351.
gnomAD v4.1: 6,414 of 1,614,158 alleles (0.4%); highest among the groups gnomAD compares: African/African-American, 7.1%; 209 homozygotes.

Submissions (3):

Women's Health and Genetics/Laboratory Corporation of America, LabCorp
Classification: Likely benign. Last evaluated: 2026-05-11. Review status: criteria provided, single submitter. Criteria: LabCorp Variant Classification Summary - May 2015. Collection method: clinical testing. Allele origin: germline.

Labcorp Genetics (formerly Invitae), Labcorp
Classification: Benign. Last evaluated: 2026-02-04. Review status: criteria provided, single submitter. Criteria: Invitae Variant Classification Sherloc (09022015). Collection method: clinical testing. Allele origin: germline.

Illumina Laboratory Services, Illumina
Classification: Benign for 3M syndrome 1. Last evaluated: 2018-01-13. Review status: criteria provided, single submitter. Criteria: ICSL Variant Classification Criteria 13 December 2019. Collection method: clinical testing. Allele origin: germline.
Comment: This variant was observed in the ICSL laboratory as part of a predisposition screen in an ostensibly healthy population. It had not been previously curated by ICSL or reported in the Human Gene Mutation Database (HGMD: prior to June 1st, 2018), and was therefore a candidate for classification through an automated scoring system. Utilizing variant allele frequency, disease prevalence and penetrance estimates, and inheritance mode, an automated score was calculated to assess if this variant is too frequent to cause the disease. Based on the score and internal cut-off values, a variant classified as benign is not then subjected to further curation. The score for this variant resulted in a classification of benign for this disease.

NM_014780.5(CUL7):c.2555G>A (p.Arg852Gln)

Gene: CUL7 (cullin 7; minus strand). Cytogenetic location: 6p21.1.
Variant type: single nucleotide variant.
Coding change: c.2555G>A on transcript NM_014780.5 (MANE Select); coding-DNA position 2555, G replaced by A.
Protein change: p.Arg852Gln; replaces arginine 852 with glutamine.
Molecular consequence: missense variant.
Genome position (GRCh38, 1-based): chr6:43,046,341, C>T on the plus strand (G>A on the coding strand, the complement: CUL7 is on the minus strand). VCF-style: chr6-43046341-C-T. GRCh37 (hg19) VCF-style: chr6-43014079-C-T.
Other names: c.2651G>A, p.Arg884Gln (NM_001168370.2, NM_001374872.1); c.2555G>A, p.Arg852Gln (NM_001374873.1, NM_001374874.1); short protein forms R852Q, R884Q.
Identifiers: ClinVar variation 356839 (VCV000356839.16), dbSNP rs34574340, ClinGen allele CA3813802.